The following is an entry in ClinVar:

ClinVar aggregate classification (germline): Uncertain significance (1 of 4 stars; one submission).

Allele frequency attached by ClinVar (database versions not stated): gnomAD exomes below 0.00001; ExAC 0.00001.
gnomAD v4.1: 1 of 1,614,080 alleles (0.000062%); highest among the groups gnomAD compares: Non-Finnish European, 0.000085%; no homozygotes.

Submission:

Ambry Genetics
Classification: Uncertain significance. Last evaluated: 2023-04-06. Review status: criteria provided, single submitter. Criteria: Ambry Variant Classification Scheme 2023. Collection method: clinical testing. Allele origin: germline.
Comment: The p.W703C variant (also known as c.2109G>T), located in coding exon 21 of the KIF1B gene, results from a G to T substitution at nucleotide position 2109. The tryptophan at codon 703 is replaced by cysteine, an amino acid with highly dissimilar properties. This amino acid position is conserved. In addition, this alteration is predicted to be deleterious by in silico analysis. The evidence for this gene-disease relationship is limited; therefore, the clinical significance of this alteration is unclear.

NM_001365951.3(KIF1B):c.2247G>T (p.Trp749Cys)

Gene: KIF1B (kinesin family member 1B; plus strand). Cytogenetic location: 1p36.22.
Variant type: single nucleotide variant.
Coding change: c.2247G>T on transcript NM_001365951.3 (MANE Select); coding-DNA position 2247, G replaced by T.
Protein change: p.Trp749Cys; replaces tryptophan 749 with cysteine.
Molecular consequence: missense variant.
Genome position (GRCh38, 1-based): chr1:10,321,746, G>T. VCF-style: chr1-10321746-G-T. GRCh37 (hg19) VCF-style: chr1-10381804-G-T.
Other names: c.2247G>T, p.Trp749Cys (NM_001365952.1); c.2109G>T, p.Trp703Cys (NM_015074.3); short protein forms W703C, W749C.
Identifiers: ClinVar variation 2563604 (VCV002563604.2), dbSNP rs753808186, ClinGen allele CA581488.